The following is an entry in ClinVar:

ClinVar aggregate classification (germline): Uncertain significance (1 of 4 stars; one submission).

Allele frequency attached by ClinVar (database versions not stated): gnomAD exomes 0.00001.
gnomAD v4.1: 6 of 1,589,488 alleles (0.00038%); highest among the groups gnomAD compares: East Asian, 0.0046%; no homozygotes.

Submission:

Labcorp Genetics (formerly Invitae), Labcorp
Classification: Uncertain significance. Last evaluated: 2022-01-17. Review status: criteria provided, single submitter. Criteria: Invitae Variant Classification Sherloc (09022015). Collection method: clinical testing. Allele origin: germline.
Comment: In summary, the available evidence is currently insufficient to determine the role of this variant in disease. Therefore, it has been classified as a Variant of Uncertain Significance. Algorithms developed to predict the effect of missense changes on protein structure and function are either unavailable or do not agree on the potential impact of this missense change (SIFT: "Deleterious"; PolyPhen-2: "Probably Damaging"; Align-GVGD: "Class C0"). This variant has not been reported in the literature in individuals affected with CAD-related conditions. The frequency data for this variant in the population databases is considered unreliable, as metrics indicate poor data quality at this position in the gnomAD database. This sequence change replaces arginine, which is basic and polar, with histidine, which is basic and polar, at codon 2214 of the CAD protein (p.Arg2214His).

NM_004341.5(CAD):c.6641G>A (p.Arg2214His)

Genes: CAD (carbamoyl-phosphate synthetase 2, aspartate transcarbamylase, and dihydroorotase; plus strand), LOC126806172 (CDK7 strongly-dependent group 2 enhancer GRCh37_chr2:27465505-27466704; plus strand). Cytogenetic location: 2p23.3.
Variant type: single nucleotide variant.
Coding change: c.6641G>A on transcript NM_004341.5 (MANE Select); coding-DNA position 6641, G replaced by A.
Protein change: p.Arg2214His; replaces arginine 2214 with histidine.
Molecular consequence: missense variant.
Genome position (GRCh38, 1-based): chr2:27,243,481, G>A. VCF-style: chr2-27243481-G-A. GRCh37 (hg19) VCF-style: chr2-27466349-G-A.
Other names: c.6452G>A, p.Arg2151His (NM_001306079.2); short protein forms R2151H, R2214H.
Identifiers: ClinVar variation 1426652 (VCV001426652.6), dbSNP rs1368964042, ClinGen allele CA346225535.